The following is an entry in ClinVar:

ClinVar aggregate classification (germline): Uncertain significance (1 of 4 stars; one submission).

Allele frequency attached by ClinVar (database versions not stated): gnomAD exomes below 0.00001.
gnomAD v4.1: 1 of 1,598,382 alleles (0.000063%); no homozygotes.

Submission:

Greenwood Genetic Center Diagnostic Laboratories, Greenwood Genetic Center
Classification: Uncertain significance. Last evaluated: 2022-07-13. Review status: criteria provided, single submitter. Criteria: ACMG Guidelines, 2015. Collection method: clinical testing. Allele origin: germline. Affected: yes.
Comment: PM2, BP4, PP2

NM_002074.5(GNB1):c.262A>G (p.Asn88Asp)

Gene: GNB1 (G protein subunit beta 1; minus strand). Cytogenetic location: 1p36.33.
Variant type: single nucleotide variant.
Coding change: c.262A>G on transcript NM_002074.5 (MANE Select); coding-DNA position 262, A replaced by G.
Protein change: p.Asn88Asp; replaces asparagine 88 with aspartic acid.
Molecular consequence: missense variant. On other transcripts: 5 prime UTR variant (1).
Genome position (GRCh38, 1-based): chr1:1,806,480, T>C on the plus strand (A>G on the coding strand, the complement: GNB1 is on the minus strand). VCF-style: chr1-1806480-T-C. GRCh37 (hg19) VCF-style: chr1-1737919-T-C.
Other names: c.-39A>G (NM_001282538.2); c.262A>G, p.Asn88Asp (NM_001282539.2); short protein forms N88D.
Identifiers: ClinVar variation 1710408 (VCV001710408.3), dbSNP rs2522818105, ClinGen allele CA337916178.